The following is an entry in ClinVar:

ClinVar aggregate classification (germline): Uncertain significance. Review status: criteria provided, multiple submitters, no conflicts (2 of 4 stars). 3 submissions from 3 submitters: Uncertain significance (3). Last evaluated 2025-03-03.

Conditions:
Inborn genetic diseases. Identifiers: MedGen C0950123, MeSH D030342.
Developmental and epileptic encephalopathy, 23 (DEE23). Also called: Epileptic encephalopathy, early infantile, 23. Identifiers: Orphanet 411986, MedGen C4014492, MONDO:0014371, OMIM 615859.

Allele frequency attached by ClinVar (database versions not stated): ExAC 0.00001; gnomAD 0.00002 and 0.00003; gnomAD exomes 0.00002; TOPMed 0.00003.
gnomAD v4.1: 37 of 1,601,936 alleles (0.0023%); highest among the groups gnomAD compares: Middle Eastern, 0.017%; no homozygotes.

Submissions (3):

Labcorp Genetics (formerly Invitae), Labcorp
Classification: Uncertain significance for Developmental and epileptic encephalopathy, 23. Last evaluated: 2025-03-03. Review status: criteria provided, single submitter. Criteria: Invitae Variant Classification Sherloc (09022015). Collection method: clinical testing. Allele origin: germline.
Comment: This sequence change replaces leucine, which is neutral and non-polar, with proline, which is neutral and non-polar, at codon 176 of the DOCK7 protein (p.Leu176Pro). This variant is present in population databases (rs756046622, gnomAD 0.005%). This variant has not been reported in the literature in individuals affected with DOCK7-related conditions. ClinVar contains an entry for this variant (Variation ID: 1041131). An algorithm developed to predict the effect of missense changes on protein structure and function (PolyPhen-2) suggests that this variant is likely to be tolerated. In summary, the available evidence is currently insufficient to determine the role of this variant in disease. Therefore, it has been classified as a Variant of Uncertain Significance.

Ambry Genetics
Classification: Uncertain significance for Inborn genetic diseases. Last evaluated: 2024-09-03. Review status: criteria provided, single submitter. Criteria: Ambry Variant Classification Scheme 2023. Collection method: clinical testing. Allele origin: germline.

Blueprint Genetics
Classification: Uncertain significance. Last evaluated: 2024-05-06. Review status: criteria provided, single submitter. Criteria: ACMG Guidelines, 2015. Collection method: clinical testing. Allele origin: germline.

NM_001367561.1(DOCK7):c.527T>C (p.Leu176Pro)

Gene: DOCK7 (dedicator of cytokinesis 7; minus strand). Cytogenetic location: 1p31.3.
Variant type: single nucleotide variant.
Coding change: c.527T>C on transcript NM_001367561.1 (MANE Select); coding-DNA position 527, T replaced by C.
Protein change: p.Leu176Pro; replaces leucine 176 with proline.
Molecular consequence: missense variant.
Genome position (GRCh38, 1-based): chr1:62,648,311, A>G on the plus strand (T>C on the coding strand, the complement: DOCK7 is on the minus strand). VCF-style: chr1-62648311-A-G. GRCh37 (hg19) VCF-style: chr1-63113982-A-G.
Other names: c.527T>C (NM_033407.2); c.527T>C, p.Leu176Pro (NM_001271999.2, NM_001272000.2, NM_001272001.2 and 3 more transcripts); short protein forms L176P.
Identifiers: ClinVar variation 1041131 (VCV001041131.7), dbSNP rs756046622, ClinGen allele CA887167.